The following is an entry in ClinVar:

NM_000548.5(TSC2):c.4016T>C (p.Val1339Ala)

Gene: TSC2 (TSC complex subunit 2; plus strand). Cytogenetic location: 16p13.3.
Variant type: single nucleotide variant.
Coding change: c.4016T>C on transcript NM_000548.5 (MANE Select); coding-DNA position 4016, T replaced by C.
Protein change: p.Val1339Ala; replaces valine 1339 with alanine.
Molecular consequence: missense variant. On other transcripts: non-coding transcript variant (5).
Genome position (GRCh38, 1-based): chr16:2,084,238, T>C. VCF-style: chr16-2084238-T-C. GRCh37 (hg19) VCF-style: chr16-2134239-T-C.
Other names: c.3815T>C, p.Val1272Ala (NM_001077183.3); c.3947T>C, p.Val1316Ala (NM_001114382.3); c.3707T>C, p.Val1236Ala (NM_001318827.2); c.3671T>C, p.Val1224Ala (NM_001318829.2); c.3284T>C, p.Val1095Ala (NM_001318831.2); c.3848T>C, p.Val1283Ala (NM_001318832.2); c.3818T>C, p.Val1273Ala (NM_001363528.2); c.3884T>C, p.Val1295Ala (NM_001370404.1); and 26 more; short protein forms V1236A, V1266A, V1267A, V1273A, V1295A, V1339A, V824A, V1073A.
Identifiers: ClinVar variation 4842419 (VCV004842419.1).

ClinVar aggregate classification (germline): Uncertain significance (1 of 4 stars; one submission).

Conditions:
Hereditary cancer-predisposing syndrome. Also called: Neoplastic Syndromes, Hereditary; Tumor predisposition; Hereditary Cancer Syndrome; Hereditary neoplastic syndrome. Identifiers: Orphanet 140162, MedGen C0027672, MeSH D009386, MONDO:0015356.

Submission:

Ambry Genetics
Classification: Uncertain significance for Hereditary cancer-predisposing syndrome. Last evaluated: 2026-01-04. Review status: criteria provided, single submitter. Criteria: Ambry Variant Classification Scheme 2023. Collection method: clinical testing. Allele origin: germline.
Comment: The p.V1339A variant (also known as c.4016T>C), located in coding exon 33 of the TSC2 gene, results from a T to C substitution at nucleotide position 4016. The valine at codon 1339 is replaced by alanine, an amino acid with similar properties. This amino acid position is conserved. In addition, the in silico prediction for this alteration is inconclusive. Based on the available evidence, the clinical significance of this variant remains unclear.